The following is an entry in ClinVar:

ClinVar aggregate classification (germline): Likely pathogenic (1 of 4 stars; one submission).

Conditions:
Phenylketonuria (PKU). Also called: FOLLING DISEASE; Phenylketonurias; Phenylketonuria (PKU); OLIGOPHRENIA PHENYLPYRUVICA. Identifiers: Orphanet 716, MedGen C0031485, MONDO:0009861, OMIM 261600. Disease mechanism: loss of function.

Submission:

Labcorp Genetics (formerly Invitae), Labcorp
Classification: Likely pathogenic for Phenylketonuria. Last evaluated: 2022-03-09. Review status: criteria provided, single submitter. Criteria: Invitae Variant Classification Sherloc (09022015). Collection method: clinical testing. Allele origin: germline.
Comment: This sequence change replaces serine, which is neutral and polar, with tyrosine, which is neutral and polar, at codon 67 of the PAH protein (p.Ser67Tyr). This variant is not present in population databases (gnomAD no frequency). This variant has not been reported in the literature in individuals affected with PAH-related conditions. Advanced modeling of protein sequence and biophysical properties (such as structural, functional, and spatial information, amino acid conservation, physicochemical variation, residue mobility, and thermodynamic stability) performed at Invitae indicates that this missense variant is expected to disrupt PAH protein function. This variant disrupts the p.Ser67 amino acid residue in PAH. Other variant(s) that disrupt this residue have been determined to be pathogenic (PMID: 12409276, 16198137, 19292873, 19913839). This suggests that this residue is clinically significant, and that variants that disrupt this residue are likely to be disease-causing. In summary, the currently available evidence indicates that the variant is pathogenic, but additional data are needed to prove that conclusively. Therefore, this variant has been classified as Likely Pathogenic.

Literature cited by the submitters: PubMed 12409276; PubMed 16198137; PubMed 19292873; PubMed 19913839.

NM_000277.3(PAH):c.200C>A (p.Ser67Tyr)

Gene: PAH (phenylalanine hydroxylase; minus strand). Cytogenetic location: 12q23.2.
Variant type: single nucleotide variant.
Coding change: c.200C>A on transcript NM_000277.3 (MANE Select); coding-DNA position 200, C replaced by A.
Protein change: p.Ser67Tyr; replaces serine 67 with tyrosine.
Molecular consequence: missense variant.
Genome position (GRCh38, 1-based): chr12:102,894,887, G>T on the plus strand (C>A on the coding strand, the complement: PAH is on the minus strand). VCF-style: chr12-102894887-G-T. GRCh37 (hg19) VCF-style: chr12-103288665-G-T.
Other names: c.200C>A, p.Ser67Tyr (NM_001354304.2); short protein forms S67Y.
Identifiers: ClinVar variation 2108149 (VCV002108149.4), dbSNP rs2136702072, ClinGen allele CA386304220.
Genomic context (GRCh38, chr12:102,894,887, plus strand): 5'-CTACGTTTATCCAAATGGGTGAAAAATTCATACTCATCTTTCTTTAAACGAGAAGGTCTA[G>T]ATTCAATGTGGGTCAGGTTTACATCATTCTCCTAGAAGAGAGAATGGGGAGGGTGAGGAG-3'
Protein context (NP_000268.1, residues 57-77): ENDVNLTHIE[Ser67Tyr]RPSRLKKDEY